The following is an entry in ClinVar:

NM_145239.3(PRRT2):c.119G>A (p.Gly40Glu)

Genes: MVP-DT (MVP divergent transcript; minus strand), PRRT2 (proline rich transmembrane protein 2; plus strand). Cytogenetic location: 16p11.2.
Variant type: single nucleotide variant.
Coding change: c.119G>A on transcript NM_145239.3 (MANE Select); coding-DNA position 119, G replaced by A.
Protein change: p.Gly40Glu; replaces glycine 40 with glutamic acid.
Molecular consequence: missense variant.
Genome position (GRCh38, 1-based): chr16:29,813,173, G>A. VCF-style: chr16-29813173-G-A. GRCh37 (hg19) VCF-style: chr16-29824494-G-A.
Other names: c.119G>A, p.Gly40Glu (NM_001256442.2, NM_001256443.2, NM_001438120.1 and 2 more transcripts); short protein forms G40E.
Identifiers: ClinVar variation 4802922 (VCV004802922.1).
Genomic context (GRCh38, chr16:29,813,173, plus strand): 5'-TTCCAGGCGAAGGGCCTGGCCATTCTGAAGCTGAAACTGGCCCTCCCCAGGTCCTAGCAG[G>A]GGTACCAGACCAGCCAGAGGCCCCGCAGCCAGGTCCAAACACCACTGCGGCCCCTGTGGA-3'
Protein context (NP_660282.2, residues 30-50): AETGPPQVLA[Gly40Glu]VPDQPEAPQP

ClinVar aggregate classification (germline): Uncertain significance (1 of 4 stars; one submission).

Conditions:
Episodic kinesigenic dyskinesia (EKD). Also called: Paroxysmal kinesigenic dyskinesia. Identifiers: Orphanet 98809, MedGen C1868682, MONDO:0044202.

Submission:

Labcorp Genetics (formerly Invitae), Labcorp
Classification: Uncertain significance for Episodic kinesigenic dyskinesia. Last evaluated: 2025-09-07. Review status: criteria provided, single submitter. Criteria: Invitae Variant Classification Sherloc (09022015). Collection method: clinical testing. Allele origin: germline.
Comment: This sequence change replaces glycine, which is neutral and non-polar, with glutamic acid, which is acidic and polar, at codon 40 of the PRRT2 protein (p.Gly40Glu). This variant is present in population databases (no rsID available, gnomAD 0.0009%). This variant has not been reported in the literature in individuals affected with PRRT2-related conditions. Invitae Evidence Modeling of protein sequence and biophysical properties (such as structural, functional, and spatial information, amino acid conservation, physicochemical variation, residue mobility, and thermodynamic stability) indicates that this missense variant is not expected to disrupt PRRT2 protein function with a negative predictive value of 95%. In summary, the available evidence is currently insufficient to determine the role of this variant in disease. Therefore, it has been classified as a Variant of Uncertain Significance.